The following is an entry in ClinVar:

NM_003334.4(UBA1):c.370G>A (p.Gly124Ser)

Gene: UBA1 (ubiquitin like modifier activating enzyme 1; plus strand). Cytogenetic location: Xp11.3.
Variant type: single nucleotide variant.
Coding change: c.370G>A on transcript NM_003334.4 (MANE Select); coding-DNA position 370, G replaced by A.
Protein change: p.Gly124Ser; replaces glycine 124 with serine.
Molecular consequence: missense variant.
Genome position (GRCh38, 1-based): chrX:47,199,504, G>A. VCF-style: chrX-47199504-G-A. GRCh37 (hg19) VCF-style: chrX-47058903-G-A.
Other names: c.370G>A, p.Gly124Ser (NM_153280.3); c.370G>A (NM_003334.3); short protein forms G124S.
Identifiers: ClinVar variation 1395038 (VCV001395038.9), dbSNP rs149161653, ClinGen allele CA329033122.
Genomic context (GRCh38, chrX:47,199,504, plus strand): 5'-CCATTTCATCTTTTTCCCTACTGCACACCCTTACAGTTCTACCTGCGGGAGGAGGACATC[G>A]GTAAAAACCGGGCCGAGGTATCACAGCCCCGCCTCGCTGAGCTCAACAGCTATGTGCCTG-3'
Protein context (NP_003325.2, residues 114-134): SQFYLREEDI[Gly124Ser]KNRAEVSQPR

ClinVar aggregate classification (germline): Uncertain significance. Review status: criteria provided, multiple submitters, no conflicts (2 of 4 stars). 2 submissions from 2 submitters: Uncertain significance (2). Last evaluated 2023-05-05.

Conditions:
Inborn genetic diseases. Identifiers: MedGen C0950123, MeSH D030342.
Infantile-onset X-linked spinal muscular atrophy. Also called: SPINAL MUSCULAR ATROPHY, X-LINKED LETHAL INFANTILE; AMC, DISTAL, X-LINKED; ARTHROGRYPOSIS, X-LINKED, TYPE I; Spinal Muscular Atrophy, X-Linked Infantile; Spinal muscular atrophy, X-linked 2. Identifiers: Orphanet 1145, MedGen C1844934, MONDO:0010532, OMIM 301830.

Allele frequency attached by ClinVar (database versions not stated): TOPMed 0.00003; gnomAD 0.00004; ESP Exome Variant Server 0.00009.
gnomAD v4.1: 11 of 1,209,839 alleles (0.00091%); highest among the groups gnomAD compares: African/African-American, 0.011%; no homozygotes.

Submissions (2):

Labcorp Genetics (formerly Invitae), Labcorp
Classification: Uncertain significance for Infantile-onset X-linked spinal muscular atrophy. Last evaluated: 2023-05-05. Review status: criteria provided, single submitter. Criteria: Invitae Variant Classification Sherloc (09022015). Collection method: clinical testing. Allele origin: germline.
Comment: The frequency data for this variant in the population databases is considered unreliable, as metrics indicate poor data quality at this position in the gnomAD database. This sequence change replaces glycine, which is neutral and non-polar, with serine, which is neutral and polar, at codon 124 of the UBA1 protein (p.Gly124Ser). This variant has not been reported in the literature in individuals affected with UBA1-related conditions. ClinVar contains an entry for this variant (Variation ID: 1395038). An algorithm developed to predict the effect of missense changes on protein structure and function (PolyPhen-2) suggests that this variant is likely to be disruptive. In summary, the available evidence is currently insufficient to determine the role of this variant in disease. Therefore, it has been classified as a Variant of Uncertain Significance.

Ambry Genetics
Classification: Uncertain significance for Inborn genetic diseases. Last evaluated: 2022-01-31. Review status: criteria provided, single submitter. Criteria: Ambry Variant Classification Scheme 2023. Collection method: clinical testing. Allele origin: germline.